The following is an entry in ClinVar:

NM_005751.5(AKAP9):c.4034G>C (p.Ser1345Thr)

Gene: AKAP9 (A-kinase anchoring protein 9; plus strand). Cytogenetic location: 7q21.2.
Variant type: single nucleotide variant.
Coding change: c.4034G>C on transcript NM_005751.5 (MANE Select); coding-DNA position 4034, G replaced by C.
Protein change: p.Ser1345Thr; replaces serine 1345 with threonine.
Molecular consequence: missense variant.
Genome position (GRCh38, 1-based): chr7:92,022,895, G>C. VCF-style: chr7-92022895-G-C. GRCh37 (hg19) VCF-style: chr7-91652209-G-C.
Other names: c.4034G>C, p.Ser1345Thr (NM_147185.3); short protein forms S1345T.
Identifiers: ClinVar variation 2771841 (VCV002771841.3), dbSNP rs758456170, ClinGen allele CA368127827.

ClinVar aggregate classification (germline): Uncertain significance (1 of 4 stars; one submission).

Conditions:
Long QT syndrome (LQTS). Identifiers: MedGen C0023976, MeSH D008133, MONDO:0002442. Disease mechanism: loss of function. Inheritance: Various modes of inheritance.

Submission:

Labcorp Genetics (formerly Invitae), Labcorp
Classification: Uncertain significance for Long QT syndrome. Last evaluated: 2023-02-02. Review status: criteria provided, single submitter. Criteria: Invitae Variant Classification Sherloc (09022015). Collection method: clinical testing. Allele origin: germline.
Comment: This variant has not been reported in the literature in individuals affected with AKAP9-related conditions. In summary, the available evidence is currently insufficient to determine the role of this variant in disease. Therefore, it has been classified as a Variant of Uncertain Significance. Algorithms developed to predict the effect of missense changes on protein structure and function (SIFT, PolyPhen-2, Align-GVGD) all suggest that this variant is likely to be tolerated. This variant is not present in population databases (gnomAD no frequency). This sequence change replaces serine, which is neutral and polar, with threonine, which is neutral and polar, at codon 1345 of the AKAP9 protein (p.Ser1345Thr).